The following is an entry in ClinVar:

NM_000038.6(APC):c.18T>C (p.Tyr6=)

Gene: APC (APC regulator of Wnt signaling pathway; plus strand). Cytogenetic location: 5q22.2.
Variant type: single nucleotide variant.
Coding change: c.18T>C on transcript NM_000038.6 (MANE Select); coding-DNA position 18, T replaced by C.
Protein change: p.Tyr6=; no amino-acid change (tyrosine 6 retained).
Molecular consequence: synonymous variant. On other transcripts: 5 prime UTR variant (1), intron variant (8).
Genome position (GRCh38, 1-based): chr5:112,754,908, T>C. VCF-style: chr5-112754908-T-C. GRCh37 (hg19) VCF-style: chr5-112090605-T-C.
Other names: c.18T>C, p.Tyr6= (NM_001127510.3, NM_001354895.2, NM_001354896.2 and 2 more transcripts); c.-1018T>C (NM_001354906.2); c.166-11418T>C (NM_001354897.2, NM_001354902.2, NM_001127511.3); c.61-11418T>C (NM_001354898.2, NM_001354904.2); c.-42-11418T>C (NM_001354900.2, NM_001354901.2, NM_001354905.2).
Identifiers: ClinVar variation 185596 (VCV000185596.18), dbSNP rs786202301, ClinGen allele CA006281.

ClinVar aggregate classification (germline): Benign/Likely benign. Review status: criteria provided, multiple submitters, no conflicts (2 of 4 stars). 4 submissions from 4 submitters: Benign (1); Likely benign (3). Last evaluated 2024-12-17.

Conditions:
Hereditary cancer-predisposing syndrome. Also called: Hereditary neoplastic syndrome; Neoplastic Syndromes, Hereditary; Tumor predisposition; Hereditary Cancer Syndrome. Identifiers: Orphanet 140162, MedGen C0027672, MeSH D009386, MONDO:0015356.
Familial adenomatous polyposis 1 (FAP1). Also called: FAMILIAL ADENOMATOUS POLYPOSIS 1, ATTENUATED; POLYPOSIS, ADENOMATOUS INTESTINAL. Identifiers: MedGen C2713442, MONDO:0021056, OMIM 175100. Disease mechanism: loss of function.

Allele frequency attached by ClinVar (database versions not stated): gnomAD exomes below 0.00001 and 0.00001; TOPMed below 0.00001; gnomAD 0.00001.
gnomAD v4.1: 16 of 1,613,692 alleles (0.00099%); highest among the groups gnomAD compares: Non-Finnish European, 0.0014%; no homozygotes.

Submissions (4):

Labcorp Genetics (formerly Invitae), Labcorp
Classification: Likely benign for Familial adenomatous polyposis 1. Last evaluated: 2024-12-17. Review status: criteria provided, single submitter. Criteria: Invitae Variant Classification Sherloc (09022015). Collection method: clinical testing. Allele origin: germline.

Myriad Genetics, Inc.
Classification: Benign for Familial adenomatous polyposis 1. Last evaluated: 2024-02-22. Review status: criteria provided, single submitter. Criteria: Myriad Autosomal Dominant, Autosomal Recessive and X-Linked Classification Criteria (2023). Collection method: clinical testing. Allele origin: unknown.
Comment: This variant is considered benign. This variant is a silent/synonymous amino acid change and it is not expected to impact splicing.

Color Diagnostics, LLC DBA Color Health
Classification: Likely benign for Hereditary cancer-predisposing syndrome. Last evaluated: 2016-06-16. Review status: criteria provided, single submitter. Criteria: ACMG Guidelines, 2015. Collection method: clinical testing. Allele origin: germline.

Ambry Genetics
Classification: Likely benign for Hereditary cancer-predisposing syndrome. Last evaluated: 2014-07-22. Review status: criteria provided, single submitter. Criteria: Ambry Variant Classification Scheme 2023. Collection method: clinical testing. Allele origin: germline.